The following is an entry in ClinVar:

ClinVar aggregate classification (germline): Conflicting classifications of pathogenicity. Review status: criteria provided, conflicting classifications (1 of 4 stars). 2 submissions from 2 submitters: Uncertain significance (1); Likely benign (1). Last evaluated 2022-11-21.

Allele frequency attached by ClinVar (database versions not stated): TOPMed 0.00001; ExAC 0.00002; gnomAD 0.00002; gnomAD exomes 0.00002.
gnomAD v4.1: 30 of 1,614,002 alleles (0.0019%); highest among the groups gnomAD compares: Admixed American, 0.0033%; no homozygotes.

Submissions (2):

Ambry Genetics
Classification: Uncertain significance. Last evaluated: 2022-11-21. Review status: criteria provided, single submitter. Criteria: Ambry Variant Classification Scheme 2023. Collection method: clinical testing. Allele origin: germline.

GeneDx
Classification: Likely benign. Last evaluated: 2015-01-09. Review status: criteria provided, single submitter. Criteria: GeneDx Variant Classification (06012015). Collection method: clinical testing. Allele origin: germline. Affected: yes.
Comment: This variant is considered likely benign or benign based on one or more of the following criteria: it is a conservative change, it occurs at a poorly conserved position in the protein, it is predicted to be benign by multiple in silico algorithms, and/or has population frequency not consistent with disease.

NM_144736.5(NDUFAF7):c.19T>A (p.Ser7Thr)

Genes: NDUFAF7 (NADH:ubiquinone oxidoreductase complex assembly factor 7; plus strand), LOC126806192 (CDK7 strongly-dependent group 2 enhancer GRCh37_chr2:37458084-37459283; plus strand). Cytogenetic location: 2p22.2.
Variant type: single nucleotide variant.
Coding change: c.19T>A on transcript NM_144736.5 (MANE Select); coding-DNA position 19, T replaced by A.
Protein change: p.Ser7Thr; replaces serine 7 with threonine.
Molecular consequence: missense variant. On other transcripts: non-coding transcript variant (10).
Genome position (GRCh38, 1-based): chr2:37,231,724, T>A. VCF-style: chr2-37231724-T-A. GRCh37 (hg19) VCF-style: chr2-37458867-T-A.
Other names: c.19T>A, p.Ser7Thr (NM_001083946.2, NM_001350024.2, NM_001350025.2 and 1 more transcripts); short protein forms S7T.
Identifiers: ClinVar variation 214757 (VCV000214757.4), dbSNP rs756442818, ClinGen allele CA321258.